The following is an entry in ClinVar:

NM_000203.5(IDUA):c.208C>T (p.Gln70Ter)

Genes: IDUA (alpha-L-iduronidase; plus strand), SLC26A1 (solute carrier family 26 member 1; minus strand). Cytogenetic location: 4p16.3.
Variant type: single nucleotide variant.
Coding change: c.208C>T on transcript NM_000203.5 (MANE Select); coding-DNA position 208, C replaced by T.
Protein change: p.Gln70Ter; replaces glutamine 70 with a stop codon.
Molecular consequence: nonsense. On other transcripts: 3 prime UTR variant (2), non-coding transcript variant (1), intron variant (1).
Genome position (GRCh38, 1-based): chr4:987,858, C>T. VCF-style: chr4-987858-C-T. GRCh37 (hg19) VCF-style: chr4-981646-C-T.
Other names: NM_000203.5(IDUA):c.208C>T; c.*975G>A (NM_022042.4, NM_213613.4); c.576+3270G>A (NM_134425.4); short protein forms Q70*.
Identifiers: ClinVar variation 11909 (VCV000011909.79), dbSNP rs121965020, ClinGen allele CA204563.

ClinVar aggregate classification (germline): Pathogenic. Review status: reviewed by expert panel (3 of 4 stars). 37 submissions from 33 submitters: Pathogenic (1). 36 of the submissions do not count toward it. Last evaluated 2025-01-02.

Conditions:
Fetal anomalies with a likely genetic cause.
IDUA-related disorder. Also called: IDUA-related condition.
IDUA-related disorders.
Mucopolysaccharidosis type 1. Also called: Mucopolysaccharidosis Type I; IDUA deficiency; MPS I. Identifiers: Orphanet 579, MedGen C0023786, MONDO:0001586.
Mucopolysaccharidosis, MPS-I-S. Also called: MUCOPOLYSACCHARIDOSIS TYPE IS; Scheie Syndrome; MPS V; MUCOPOLYSACCHARIDOSIS TYPE V. Identifiers: Orphanet 93474, MedGen C0026708, MONDO:0011760, OMIM 607016.
Hurler syndrome. Also called: MUCOPOLYSACCHARIDOSIS TYPE IH; Gargoylism, Hurler Syndrome; Severe MPS I (Hurler Syndrome). Identifiers: Orphanet 93473, MedGen C0086795, MONDO:0011758, OMIM 607014.
Mucopolysaccharidosis, MPS-I-H/S. Also called: Mucopolysaccharidosis type IH/S. Identifiers: Orphanet 93476, MedGen C0086431, MONDO:0011759, OMIM 607015.
Mucopolysaccharidosis. Also called: Mucopolysaccharidoses. Identifiers: Orphanet 79213, MedGen C0026703, MeSH D009083, MONDO:0019249.
Interstitial pneumonitis. Identifiers: MedGen C0206061, HP:0006515.

Allele frequency attached by ClinVar (database versions not stated): TOPMed 0.00037; gnomAD exomes 0.00049 and 0.00047; gnomAD 0.00063 and 0.00058; ExAC 0.00065.
gnomAD v4.1: 791 of 1,612,356 alleles (0.049%); highest among the groups gnomAD compares: Non-Finnish European, 0.053%; no homozygotes.

Submissions 1 to 11 of 37:

ClinGen Lysosomal Storage Disorder Variant Curation Expert Panel
Classification: Pathogenic for Mucopolysaccharidosis type 1. Last evaluated: 2025-01-02. Review status: reviewed by expert panel. Criteria: ClinGen LSD ACMG Specifications IDUA V1.0.0. Collection method: curation. Allele origin: germline. Inheritance: Autosomal recessive inheritance.
Comment: The NM_000203.5:c.208C>T (p.Gln70Ter) variant in IDUA is a nonsense variant predicted to cause a premature stop codon in biologically-relevant-exon 2 of a total of 14 exons, leading to nonsense mediated decay in a gene in which loss-of-function is an established disease mechanism. An immunochemical assay performed in fibroblast lines from two individuals homozygous for the variant and three individuals compound heterozygous for the variant and p.Trp402Ter found no detectable IDUA protein (PMID: 1301941) (PVS1). This variant is the second most common variant identified in patients with mucopolysacchararidosis type 1 (MPS1), and is present mainly in Northern Europe, including Norway (54% of MPS1 alleles), Russia (42% of MPS1 alleles), Poland (30% of MPS1 alleles), and Austria (31% of MPS1 alleles) (Reviewed in PMID: 29393969). At least 14 homozygotes (max 0.5 x 2 points = 1 point) and at least 45 individuals who are compound heterozygous for the variant and a second variant in IDUA, including another well-known pathogenic variant, c.1205G>A (p.Trp402Ter) (ClinVar Variation ID: 11908), have been reported (PMID: 1301941, 7951228, 11735025, 28752568). The allelic data for many of these patients will be used in the classification of the second variant and is not included here to avoid circular logic. Therefore, only 1 point was awarded here, the maximum points for homozygotes (PM3). Patients meeting two of the requirements for PP4, IDUA deficiency and elevated urine GAG levels have been reported (PMID: 1301941) (PP4). The highest population minor allele frequency in gnomAD v4.1.0 is 0.002123 in the Finnish population, followed by 0.0005348 in the European non-Finnish population. This is higher than the Lysosomal Diseases VCEP's threshold for PM2_Supporting (<0.00025) and lower than the threshold for BS1 (>0.0025). Therefore, no population codes are met. More data is available in the literature but the classification of pathogenic has already been reached. There is a ClinVar entry for this variant (Variation ID: 11909). In summary, c.208C>T (p.Gln70Ter) is the second most frequent variant identified in patients with MPS1 and meets the criteria to be classified as pathogenic for this condition. IDUA-specific ACMG/AMP criteria met, as specified by the ClinGen Lysosomal Diseases VCEP (Specifications Version 1.0.0): PVS1, PM3, PP4. (Classification approved by the ClinGen Lysosomal Diseases Variant Curation Expert Panel on January 2, 2025)

Genetics Laboratory, Great Ormond Street Hospital NHS Foundation Trust, North Thames Genomic Laboratory Hub
Classification: Pathogenic for Mucopolysaccharidosis type IH/S. Last evaluated: 2026-08-05. Review status: criteria provided, single submitter. Criteria: ACGS Best Practice Guidelines for Variant Classification in Rare Disease 2024 v1.2. Collection method: clinical testing. Allele origin: germline. Affected: yes. Not counted in ClinVar's aggregate classification.
Comment: PVS1_very-strong, PM3_very-strong, PP4_strong

Genetics Laboratory, Great Ormond Street Hospital NHS Foundation Trust, North Thames Genomic Laboratory Hub
Classification: Pathogenic for Fetal anomalies with a likely genetic cause. Last evaluated: 2026-08-05. Review status: criteria provided, single submitter. Criteria: ACGS Best Practice Guidelines for Variant Classification in Rare Disease 2024 v1.2. Collection method: clinical testing. Allele origin: germline. Affected: yes. Not counted in ClinVar's aggregate classification.
Comment: the same text as in the submission from Genetics Laboratory, Great Ormond Street Hospital NHS Foundation Trust, North Thames Genomic Laboratory Hub above.

PreventionGenetics, part of Exact Sciences
Classification: Pathogenic for IDUA-related condition. Last evaluated: 2026-07-14. Review status: criteria provided, single submitter. Criteria: ACMG Guidelines, 2015. Collection method: clinical testing. Allele origin: germline. Not counted in ClinVar's aggregate classification.
Comment: The IDUA c.208C>T variant is predicted to result in premature protein termination (p.Gln70*). This variant has been detected in the homozygous or compound heterozygous state in many individuals with mucopolysaccharidosis Type I (MPSI) and is among the most common causes of disease (Scott et al. 1992. PubMed ID: 1301941; Beesley et al. 2001. PubMed ID: 11735025; Pollard et al. 2013. PubMed ID: 22976768). This variant is reported in 0.19% of alleles in individuals of European (Finnish) descent in gnomAD. Nonsense variants in IDUA are expected to be pathogenic. This variant is interpreted as pathogenic.

Labcorp Genetics (formerly Invitae), Labcorp
Classification: Pathogenic for Mucopolysaccharidosis type 1. Last evaluated: 2026-01-09. Review status: criteria provided, single submitter. Criteria: Invitae Variant Classification Sherloc (09022015). Collection method: clinical testing. Allele origin: germline. Not counted in ClinVar's aggregate classification.
Comment: This sequence change creates a premature translational stop signal (p.Gln70*) in the IDUA gene. It is expected to result in an absent or disrupted protein product. Loss-of-function variants in IDUA are known to be pathogenic (PMID: 11735025, 21480867). This variant is present in population databases (rs121965020, gnomAD 0.2%), and has an allele count higher than expected for a pathogenic variant. This premature translational stop signal has been observed in individual(s) with mucopolysaccharidosis type I (PMID: 8401515, 21394825, 21831683, 22976768, 24314423, 24368159). ClinVar contains an entry for this variant (Variation ID: 11909). For these reasons, this variant has been classified as Pathogenic.

Natera, Inc.
Classification: Pathogenic for Mucopolysaccharidosis type I. Last evaluated: 2026-01-06. Review status: criteria provided, single submitter. Criteria: Natera Variant Classification Schema (03/2026). Collection method: clinical testing. Allele origin: germline. Not counted in ClinVar's aggregate classification.
Comment: The c.208C>T variant in IDUA is a nonsense variant predicted to introduce a stop codon at amino acid 70. This variant is expected to result in nonsense mediated decay, truncation, or a dysfunctional protein product. This variant is rare in the general population with a frequency below the threshold expected for the associated phenotype(s). This variant has been observed in one or more individuals affected with the associated recessive disease, as either homozygous or compound heterozygous with a second variant (PMID: 7951228). Given the available evidence, this variant is classified as Pathogenic.

Revvity Omics, Revvity
Classification: Pathogenic. Last evaluated: 2025-04-20. Review status: criteria provided, single submitter. Criteria: ACMG Guidelines, 2015. Collection method: clinical testing. Allele origin: germline. Not counted in ClinVar's aggregate classification.

Laboratory of Genetics, Children's Clinical University Hospital Latvia
Classification: Pathogenic. Last evaluated: 2025-02-16. Review status: criteria provided, single submitter. Criteria: ACMG Guidelines, 2015. Collection method: clinical testing. Allele origin: germline. Affected: yes. Not counted in ClinVar's aggregate classification.

Blueprint Genetics
Classification: Pathogenic for IDUA-related disorders. Last evaluated: 2024-09-05. Review status: criteria provided, single submitter. Criteria: ACMG Guidelines, 2015. Collection method: clinical testing. Allele origin: germline. Affected: yes. Observed: 5 variant alleles. Not counted in ClinVar's aggregate classification.

Fulgent Genetics
Classification: Pathogenic for Hurler syndrome; Mucopolysaccharidosis, MPS-I-H/S; Mucopolysaccharidosis, MPS-I-S. Last evaluated: 2024-04-03. Review status: criteria provided, single submitter. Criteria: ACMG Guidelines, 2015. Collection method: clinical testing. Allele origin: germline. Not counted in ClinVar's aggregate classification.

CeGaT Center for Human Genetics Tuebingen
Classification: Pathogenic. Last evaluated: 2024-04-01. Review status: criteria provided, single submitter. Criteria: CeGaT Center For Human Genetics Tuebingen Variant Classification Criteria Version 2. Collection method: clinical testing. Allele origin: germline. Affected: yes. Observed: 3 variant alleles. Not counted in ClinVar's aggregate classification.
Comment: IDUA: PM3:Very Strong, PVS1, PM2